The following is an entry in ClinVar:

ClinVar aggregate classification (germline): Uncertain significance (1 of 4 stars; one submission).

Conditions:
Gastrointestinal stromal tumor. Also called: Gastrointestinal stromal tumor, somatic; Gastrointestinal stroma tumor. Identifiers: Orphanet 44890, MedGen C0238198, MeSH D046152, MONDO:0011719, OMIM 606764, HP:0100723.

Submission:

Labcorp Genetics (formerly Invitae), Labcorp
Classification: Uncertain significance for Gastrointestinal stromal tumor. Last evaluated: 2025-03-09. Review status: criteria provided, single submitter. Criteria: Invitae Variant Classification Sherloc (09022015). Collection method: clinical testing. Allele origin: germline.
Comment: This sequence change replaces proline, which is neutral and non-polar, with arginine, which is basic and polar, at codon 669 of the PDGFRA protein (p.Pro669Arg). This variant is not present in population databases (gnomAD no frequency). This variant has not been reported in the literature in individuals affected with PDGFRA-related conditions. Invitae Evidence Modeling of protein sequence and biophysical properties (such as structural, functional, and spatial information, amino acid conservation, physicochemical variation, residue mobility, and thermodynamic stability) has been performed for this missense variant. However, the output from this modeling did not meet the statistical confidence thresholds required to predict the impact of this variant on PDGFRA protein function. In summary, the available evidence is currently insufficient to determine the role of this variant in disease. Therefore, it has been classified as a Variant of Uncertain Significance.

NM_006206.6(PDGFRA):c.2006C>G (p.Pro669Arg)

Gene: PDGFRA (platelet derived growth factor receptor alpha; plus strand). Cytogenetic location: 4q12.
Variant type: single nucleotide variant.
Coding change: c.2006C>G on transcript NM_006206.6 (MANE Select); coding-DNA position 2006, C replaced by G.
Protein change: p.Pro669Arg; replaces proline 669 with arginine.
Molecular consequence: missense variant.
Genome position (GRCh38, 1-based): chr4:54,278,365, C>G. VCF-style: chr4-54278365-C-G. GRCh37 (hg19) VCF-style: chr4-55144532-C-G.
Other names: c.2006C>G, p.Pro669Arg (NM_001347827.2, NM_001347829.2); c.2081C>G, p.Pro694Arg (NM_001347828.2); c.2045C>G, p.Pro682Arg (NM_001347830.2); short protein forms P669R, P682R, P694R.
Identifiers: ClinVar variation 4741025 (VCV004741025.1).